The following is an entry in ClinVar:

ClinVar aggregate classification (germline): Uncertain significance (1 of 4 stars; one submission).

Submission:

Ambry Genetics
Classification: Uncertain significance. Last evaluated: 2022-03-01. Review status: criteria provided, single submitter. Criteria: Ambry Variant Classification Scheme 2023. Collection method: clinical testing. Allele origin: germline.
Comment: The p.R336G variant (also known as c.1006A>G), located in coding exon 10 of the BUB1 gene, results from an A to G substitution at nucleotide position 1006. The arginine at codon 336 is replaced by glycine, an amino acid with dissimilar properties. This amino acid position is conserved. In addition, this alteration is predicted to be tolerated by in silico analysis. Since supporting evidence is limited at this time, the clinical significance of this alteration remains unclear.

NM_004336.5(BUB1):c.1006A>G (p.Arg336Gly)

Gene: BUB1 (BUB1 mitotic checkpoint serine/threonine kinase; minus strand). Cytogenetic location: 2q13.
Variant type: single nucleotide variant.
Coding change: c.1006A>G on transcript NM_004336.5 (MANE Select); coding-DNA position 1006, A replaced by G.
Protein change: p.Arg336Gly; replaces arginine 336 with glycine.
Molecular consequence: missense variant.
Genome position (GRCh38, 1-based): chr2:110,661,793, T>C on the plus strand (A>G on the coding strand, the complement: BUB1 is on the minus strand). VCF-style: chr2-110661793-T-C. GRCh37 (hg19) VCF-style: chr2-111419370-T-C.
Other names: c.946A>G, p.Arg316Gly (NM_001278616.2); c.1006A>G, p.Arg336Gly (NM_001278617.2); short protein forms R316G, R336G.
Identifiers: ClinVar variation 1784298 (VCV001784298.2), dbSNP rs2468017712, ClinGen allele CA348214612.